The following is an entry in ClinVar:

NM_000138.5(FBN1):c.4729T>C (p.Cys1577Arg)

Gene: FBN1 (fibrillin 1; minus strand). Cytogenetic location: 15q21.1.
Variant type: single nucleotide variant.
Coding change: c.4729T>C on transcript NM_000138.5 (MANE Select); coding-DNA position 4729, T replaced by C.
Protein change: p.Cys1577Arg; replaces cysteine 1577 with arginine.
Molecular consequence: missense variant.
Genome position (GRCh38, 1-based): chr15:48,467,956, A>G on the plus strand (T>C on the coding strand, the complement: FBN1 is on the minus strand). VCF-style: chr15-48467956-A-G. GRCh37 (hg19) VCF-style: chr15-48760153-A-G.
Other names: c.4729T>C, p.Cys1577Arg (NM_001406716.1); short protein forms C1577R.
Identifiers: ClinVar variation 2951121 (VCV002951121.3), dbSNP rs267606801, ClinGen allele CA392352781.

ClinVar aggregate classification (germline): Likely pathogenic (1 of 4 stars; one submission).

Conditions:
Marfan syndrome (MFS). Also called: MARFAN SYNDROME, TYPE I; Marfan syndrome type 1; Marfan's syndrome; Marfan syndrome, classic; FBN1-Related Marfan Syndrome. Identifiers: Orphanet 284963, Orphanet 558, MedGen C0024796, MONDO:0007947, OMIM 154700.
Familial thoracic aortic aneurysm and aortic dissection (TAAD). Also called: Thoracic aortic aneurysms and dissections. Identifiers: Orphanet 91387, MedGen C4707243, MONDO:0019625.

Submission:

Labcorp Genetics (formerly Invitae), Labcorp
Classification: Likely pathogenic for Marfan syndrome; Familial thoracic aortic aneurysm and aortic dissection. Last evaluated: 2023-08-18. Review status: criteria provided, single submitter. Criteria: Invitae Variant Classification Sherloc (09022015). Collection method: clinical testing. Allele origin: germline.
Comment: This variant is not present in population databases (gnomAD no frequency). This sequence change replaces cysteine, which is neutral and slightly polar, with arginine, which is basic and polar, at codon 1577 of the FBN1 protein (p.Cys1577Arg). This variant has not been reported in the literature in individuals affected with FBN1-related conditions. In summary, the currently available evidence indicates that the variant is pathogenic, but additional data are needed to prove that conclusively. Therefore, this variant has been classified as Likely Pathogenic. This variant affects a cysteine residue in the EGF-like, TGFBP or hybrid motif domains of FBN1. Cysteine residues are believed to be involved in intramolecular disulfide bridges and have been shown to be important for FBN1 protein structure (PMID: 16905551, 19349279). In addition, missense substitutions affecting cysteine residues within these domains are significantly overrepresented among patients with Marfan syndrome (PMID: 16571647, 17701892). Advanced modeling of protein sequence and biophysical properties (such as structural, functional, and spatial information, amino acid conservation, physicochemical variation, residue mobility, and thermodynamic stability) performed at Invitae indicates that this missense variant is expected to disrupt FBN1 protein function.

Literature cited by the submitters: PubMed 16905551; PubMed 19349279; PubMed 16571647; PubMed 17701892.